The following is an entry in ClinVar:

ClinVar aggregate classification (germline): Uncertain significance. Review status: criteria provided, multiple submitters, no conflicts (2 of 4 stars). 4 submissions from 4 submitters: Uncertain significance (4). Last evaluated 2026-02-02.

Conditions:
Ataxia-telangiectasia syndrome (AT). Also called: LOUIS-BAR SYNDROME; Cerebello-oculocutaneous telangiectasia; Immunodeficiency with ataxia telangiectasia; Ataxia-telangiectasia, complementation group D; AT, COMPLEMENTATION GROUP C; ATAXIA-TELANGIECTASIA, COMPLEMENTATION GROUP A. Identifiers: Orphanet 100, MedGen C0004135, MONDO:0008840, OMIM 208900.
Hereditary cancer-predisposing syndrome. Also called: Tumor predisposition; Neoplastic Syndromes, Hereditary; Hereditary Cancer Syndrome; Hereditary neoplastic syndrome. Identifiers: Orphanet 140162, MedGen C0027672, MeSH D009386, MONDO:0015356.

Submissions (4):

Labcorp Genetics (formerly Invitae), Labcorp
Classification: Uncertain significance for Ataxia-telangiectasia syndrome. Last evaluated: 2026-02-02. Review status: criteria provided, single submitter. Criteria: Invitae Variant Classification Sherloc (09022015). Collection method: clinical testing. Allele origin: germline.
Comment: This sequence change replaces leucine, which is neutral and non-polar, with valine, which is neutral and non-polar, at codon 64 of the ATM protein (p.Leu64Val). This variant is not present in population databases (gnomAD no frequency). This variant has not been reported in the literature in individuals affected with ATM-related conditions. ClinVar contains an entry for this variant (Variation ID: 1782491). Invitae Evidence Modeling of protein sequence and biophysical properties (such as structural, functional, and spatial information, amino acid conservation, physicochemical variation, residue mobility, and thermodynamic stability) indicates that this missense variant is not expected to disrupt ATM protein function with a negative predictive value of 95%. In summary, the available evidence is currently insufficient to determine the role of this variant in disease. Therefore, it has been classified as a Variant of Uncertain Significance.

Ambry Genetics
Classification: Uncertain significance for Hereditary cancer-predisposing syndrome. Last evaluated: 2025-09-20. Review status: criteria provided, single submitter. Criteria: Ambry Variant Classification Scheme 2023. Collection method: clinical testing. Allele origin: germline.
Comment: The p.L64V variant (also known as c.190T>G), located in coding exon 3 of the ATM gene, results from a T to G substitution at nucleotide position 190. The leucine at codon 64 is replaced by valine, an amino acid with highly similar properties. This amino acid position is conserved. In addition, the in silico prediction for this alteration is inconclusive. Since supporting evidence is limited at this time, the clinical significance of this alteration remains unclear.

Center for Genomic Medicine, Rigshospitalet, Copenhagen University Hospital
Classification: Uncertain significance. Last evaluated: 2025-03-04. Review status: criteria provided, single submitter. Criteria: ACMG Guidelines, 2015. Collection method: clinical testing. Allele origin: germline.

GeneDx
Classification: Uncertain significance. Last evaluated: 2024-02-09. Review status: criteria provided, single submitter. Criteria: GeneDx Variant Classification Process June 2021. Collection method: clinical testing. Allele origin: germline. Affected: yes.
Comment: Not observed at significant frequency in large population cohorts (gnomAD); In silico analysis supports that this missense variant does not alter protein structure/function; Has not been previously published as pathogenic or benign to our knowledge

NM_000051.4(ATM):c.190T>G (p.Leu64Val)

Gene: ATM (ATM serine/threonine kinase; plus strand). Cytogenetic location: 11q22.3.
Variant type: single nucleotide variant.
Coding change: c.190T>G on transcript NM_000051.4 (MANE Select); coding-DNA position 190, T replaced by G.
Protein change: p.Leu64Val; replaces leucine 64 with valine.
Molecular consequence: missense variant.
Genome position (GRCh38, 1-based): chr11:108,229,182, T>G. VCF-style: chr11-108229182-T-G. GRCh37 (hg19) VCF-style: chr11-108099909-T-G.
Other names: c.190T>G, p.Leu64Val (NM_001351834.2, NM_001351835.2, NM_001351836.2); short protein forms L64V.
Identifiers: ClinVar variation 1782491 (VCV001782491.9), dbSNP rs2135032844, ClinGen allele CA382521108.